The following is an entry in ClinVar:

NM_000169.3(GLA):c.772G>T (p.Gly258Ter)

Genes: GLA (galactosidase alpha; minus strand), RPL36A-HNRNPH2 (RPL36A-HNRNPH2 readthrough; plus strand). Cytogenetic location: Xq22.1.
Variant type: single nucleotide variant.
Coding change: c.772G>T on transcript NM_000169.3 (MANE Select); coding-DNA position 772, G replaced by T.
Protein change: p.Gly258Ter; replaces glycine 258 with a stop codon.
Molecular consequence: nonsense. On other transcripts: non-coding transcript variant (3), intron variant (2).
Genome position (GRCh38, 1-based): chrX:101,398,814, C>A on the plus strand (G>T on the coding strand, the complement: GLA is on the minus strand). VCF-style: chrX-101398814-C-A. GRCh37 (hg19) VCF-style: chrX-100653802-C-A.
Other names: c.895G>T, p.Gly299Ter (NM_001406747.1); c.772G>T, p.Gly258Ter (NM_001406748.1); c.300+3357C>A (NM_001199973.2); c.177+6992C>A (NM_001199974.2); short protein forms G258*, G299*.
Identifiers: ClinVar variation 4087178 (VCV004087178.2).

ClinVar aggregate classification (germline): Pathogenic (1 of 4 stars; one submission).

Conditions:
Fabry disease. Also called: ALPHA-GALACTOSIDASE A DEFICIENCY; ANDERSON-FABRY DISEASE; CERAMIDE TRIHEXOSIDASE DEFICIENCY; GLA DEFICIENCY; HEREDITARY DYSTOPIC LIPIDOSIS; Angiokeratoma corporis diffusum. Identifiers: Orphanet 324, MedGen C0002986, MONDO:0010526, OMIM 301500, HP:0001071. Disease mechanism: Fabry disease is due to inactivating mutations in the X-linked GLA gene resulting in deficiency of the enzyme Alpha Galactosidase-A., loss of function.

Submission:

Genomenon, Inc
Classification: Pathogenic for Fabry disease. Last evaluated: 2026-09-08. Review status: criteria provided, single submitter. Criteria: Genomenon Sequence Variant Interpretation Standards - Updated. Collection method: curation. Allele origin: germline. Affected: yes.
Comment: GLA p.Gly258Ter (c.772G>T) is a nonsense variant that introduces a premature stop codon at amino acid position 258 and is predicted to result in a truncated or absent protein product. This variant has been observed in at least one proband with clinical features consistent with Fabry disease (PMID:33072516;33906135;29661900;30062314). The variant was found to segregate with disease in at least one affected family (PMID:30062314). Functional or patient cell studies have been reported (PMID:30062314). It is absent or not present at a significant frequency in gnomAD. In conclusion, we classify GLA p.Gly258Ter (c.772G>T) as a pathogenic variant.

Literature cited by the submitters: PubMed 33072516; PubMed 33906135; PubMed 29661900; PubMed 30062314.